The following is an entry in ClinVar:

ClinVar aggregate classification (germline): Uncertain significance (1 of 4 stars; one submission).

Submission:

Labcorp Genetics (formerly Invitae), Labcorp
Classification: Uncertain significance. Last evaluated: 2025-12-20. Review status: criteria provided, single submitter. Criteria: Invitae Variant Classification Sherloc (09022015). Collection method: clinical testing. Allele origin: germline.
Comment: This sequence change replaces proline, which is neutral and non-polar, with serine, which is neutral and polar, at codon 682 of the CFH protein (p.Pro682Ser). This variant is not present in population databases (gnomAD no frequency). This missense change has been observed in individual(s) with clinical features of CFH-related conditions (PMID: 38861662). An algorithm developed to predict the effect of missense changes on protein structure and function (PolyPhen-2) suggests that this variant is likely to be disruptive. In summary, the available evidence is currently insufficient to determine the role of this variant in disease. Therefore, it has been classified as a Variant of Uncertain Significance.

Literature cited by the submitters: PubMed 38861662.

NM_000186.4(CFH):c.2044C>T (p.Pro682Ser)

Gene: CFH (complement factor H; plus strand). Cytogenetic location: 1q31.3.
Variant type: single nucleotide variant.
Coding change: c.2044C>T on transcript NM_000186.4 (MANE Select); coding-DNA position 2044, C replaced by T.
Protein change: p.Pro682Ser; replaces proline 682 with serine.
Molecular consequence: missense variant.
Genome position (GRCh38, 1-based): chr1:196,726,640, C>T. VCF-style: chr1-196726640-C-T. GRCh37 (hg19) VCF-style: chr1-196695770-C-T.
Other names: short protein forms P682S.
Identifiers: ClinVar variation 4709381 (VCV004709381.1).
Genomic context (GRCh38, chr1:196,726,640, plus strand): 5'-AGATTTCTAATGAAGGGACCTAATAAAATTCAATGTGTTGATGGAGAGTGGACAACTTTA[C>T]CAGTGTGTATTGGTAATGTATAAAATATTAATATTTAAACTTGTCAAAACTTTTGTATTT-3'
Protein context (NP_000177.2, residues 672-692): QCVDGEWTTL[Pro682Ser]VCIVEESTCG